The following is an entry in ClinVar:

ClinVar aggregate classification (germline): Conflicting classifications of pathogenicity. Review status: criteria provided, conflicting classifications (1 of 4 stars). 3 submissions from 3 submitters: Uncertain significance (2); Likely benign (1). Last evaluated 2025-12-19.

Conditions:
Hereditary cancer-predisposing syndrome. Also called: Tumor predisposition; Neoplastic Syndromes, Hereditary; Hereditary neoplastic syndrome; Hereditary Cancer Syndrome. Identifiers: Orphanet 140162, MedGen C0027672, MeSH D009386, MONDO:0015356.
Hereditary breast ovarian cancer syndrome. Also called: Hereditary breast and ovarian cancer; Hereditary breast and ovarian cancer syndrome (HBOC); Breast and ovarian cancer; Hereditary breast and ovarian cancer syndrome; BRCA1- and BRCA2-Associated Hereditary Breast and Ovarian Cancer; Hereditary breast and/or ovarian cancer syndrome. Identifiers: Orphanet 145, MedGen C0677776, MeSH D061325, MONDO:0003582. Disease mechanism: loss of function.

Allele frequency attached by ClinVar (database versions not stated): gnomAD exomes below 0.00001.
gnomAD v4.1: 1 of 1,613,610 alleles (0.000062%); highest among the groups gnomAD compares: South Asian, 0.0011%; no homozygotes.

Submissions (3):

Labcorp Genetics (formerly Invitae), Labcorp
Classification: Uncertain significance for Hereditary breast ovarian cancer syndrome. Last evaluated: 2025-12-19. Review status: criteria provided, single submitter. Criteria: Invitae Variant Classification Sherloc (09022015). Collection method: clinical testing. Allele origin: germline.
Comment: This sequence change replaces isoleucine, which is neutral and non-polar, with methionine, which is neutral and non-polar, at codon 3418 of the BRCA2 protein (p.Ile3418Met). This variant is not present in population databases (gnomAD no frequency). This variant has not been reported in the literature in individuals affected with BRCA2-related conditions. ClinVar contains an entry for this variant (Variation ID: 630661). Invitae Evidence Modeling of protein sequence and biophysical properties (such as structural, functional, and spatial information, amino acid conservation, physicochemical variation, residue mobility, and thermodynamic stability) indicates that this missense variant is not expected to disrupt BRCA2 protein function with a negative predictive value of 95%. RNA analysis performed to evaluate the impact of this missense change on mRNA splicing indicates it does not significantly alter splicing (internal data). In summary, the available evidence is currently insufficient to determine the role of this variant in disease. Therefore, it has been classified as a Variant of Uncertain Significance.

Ambry Genetics
Classification: Uncertain significance for Hereditary cancer-predisposing syndrome. Last evaluated: 2025-05-04. Review status: criteria provided, single submitter. Criteria: Ambry Variant Classification Scheme 2023. Collection method: clinical testing. Allele origin: germline.
Comment: The p.I3418M variant (also known as c.10254C>G), located in coding exon 26 of the BRCA2 gene, results from a C to G substitution at nucleotide position 10254. The isoleucine at codon 3418 is replaced by methionine, an amino acid with highly similar properties. This amino acid position is not well conserved in available vertebrate species. In addition, this alteration is predicted to be tolerated by in silico analysis. Since supporting evidence is limited at this time, the clinical significance of this alteration remains unclear.

Color Diagnostics, LLC DBA Color Health
Classification: Likely benign for Hereditary cancer-predisposing syndrome. Last evaluated: 2017-10-06. Review status: criteria provided, single submitter. Criteria: ACMG Guidelines, 2015. Collection method: clinical testing. Allele origin: germline.

NM_000059.4(BRCA2):c.10254C>G (p.Ile3418Met)

Gene: BRCA2 (BRCA2 DNA repair associated; plus strand). Cytogenetic location: 13q13.1.
Variant type: single nucleotide variant.
Coding change: c.10254C>G on transcript NM_000059.4 (MANE Select); coding-DNA position 10254, C replaced by G.
Protein change: p.Ile3418Met; replaces isoleucine 3418 with methionine.
Molecular consequence: missense variant.
Genome position (GRCh38, 1-based): chr13:32,398,767, C>G. VCF-style: chr13-32398767-C-G. GRCh37 (hg19) VCF-style: chr13-32972904-C-G.
Other names: short protein forms I3418M.
Identifiers: ClinVar variation 630661 (VCV000630661.17), dbSNP rs1566261647, ClinGen allele CA387768718.